The following is an entry in ClinVar:

NM_001130438.3(SPTAN1):c.3154C>G (p.Gln1052Glu)

Gene: SPTAN1 (spectrin alpha, non-erythrocytic 1; plus strand). Cytogenetic location: 9q34.11.
Variant type: single nucleotide variant.
Coding change: c.3154C>G on transcript NM_001130438.3 (MANE Select); coding-DNA position 3154, C replaced by G.
Protein change: p.Gln1052Glu; replaces glutamine 1052 with glutamic acid.
Molecular consequence: missense variant.
Genome position (GRCh38, 1-based): chr9:128,591,624, C>G. VCF-style: chr9-128591624-C-G. GRCh37 (hg19) VCF-style: chr9-131353903-C-G.
Other names: c.3154C>G, p.Gln1052Glu (NM_001375313.1, NM_001375314.2, NM_003127.4 and 5 more transcripts); c.3190C>G, p.Gln1064Glu (NM_001375318.1, NM_001375312.2); short protein forms Q1052E, Q1064E.
Identifiers: ClinVar variation 3632529 (VCV003632529.2).

ClinVar aggregate classification (germline): Uncertain significance (1 of 4 stars; one submission).

Conditions:
Early-infantile DEE. Also called: Early infantile epileptic encephalopathy with suppression bursts; Early infantile epileptic encephalopathy; Ohtahara syndrome. Identifiers: Orphanet 1934, MedGen C0393706, MONDO:0800491.

Submission:

Labcorp Genetics (formerly Invitae), Labcorp
Classification: Uncertain significance for Early-infantile DEE. Last evaluated: 2024-06-26. Review status: criteria provided, single submitter. Criteria: Invitae Variant Classification Sherloc (09022015). Collection method: clinical testing. Allele origin: germline.
Comment: This sequence change replaces glutamine, which is neutral and polar, with glutamic acid, which is acidic and polar, at codon 1052 of the SPTAN1 protein (p.Gln1052Glu). This variant is not present in population databases (gnomAD no frequency). This variant has not been reported in the literature in individuals affected with SPTAN1-related conditions. An algorithm developed to predict the effect of missense changes on protein structure and function (PolyPhen-2) suggests that this variant is likely to be tolerated. In summary, the available evidence is currently insufficient to determine the role of this variant in disease. Therefore, it has been classified as a Variant of Uncertain Significance.